The following is an entry in ClinVar:

NM_001378454.1(ALMS1):c.2536G>A (p.Gly846Arg)

Gene: ALMS1 (ALMS1 centrosome and basal body associated protein; plus strand). Cytogenetic location: 2p13.1.
Variant type: single nucleotide variant.
Coding change: c.2536G>A on transcript NM_001378454.1 (MANE Select); coding-DNA position 2536, G replaced by A.
Protein change: p.Gly846Arg; replaces glycine 846 with arginine.
Molecular consequence: missense variant.
Genome position (GRCh38, 1-based): chr2:73,449,063, G>A. VCF-style: chr2-73449063-G-A. GRCh37 (hg19) VCF-style: chr2-73676190-G-A.
Other names: c.2539G>A, p.Gly847Arg (NM_015120.4); short protein forms G847R, G846R.
Identifiers: ClinVar variation 391955 (VCV000391955.19), dbSNP rs201154998, ClinGen allele CA1713374.

ClinVar aggregate classification (germline): Conflicting classifications of pathogenicity. Review status: criteria provided, conflicting classifications (1 of 4 stars). 6 submissions from 6 submitters: Uncertain significance (3); Benign (1); Likely benign (2). Last evaluated 2026-07-01.

Conditions:
Cardiovascular phenotype. Identifiers: MedGen CN230736.
Alstrom syndrome (ALMS). Identifiers: Orphanet 64, MedGen C0268425, MONDO:0008763, OMIM 203800.

Allele frequency attached by ClinVar (database versions not stated): gnomAD exomes 0.00002 and 0.00007; ExAC 0.00009; gnomAD 0.00021 and 0.00022; TOPMed 0.00022; ESP Exome Variant Server 0.00025; 1000 Genomes Project 0.00040; 1000 Genomes Project 30x 0.00047.
gnomAD v4.1: 62 of 1,613,902 alleles (0.0038%); highest among the groups gnomAD compares: African/African-American, 0.071%; no homozygotes.

Submissions (6):

CeGaT Center for Human Genetics Tuebingen
Classification: Likely benign. Last evaluated: 2026-07-01. Review status: criteria provided, single submitter. Criteria: CeGaT Center For Human Genetics Tuebingen Variant Classification Criteria Version 2. Collection method: clinical testing. Allele origin: germline. Affected: yes. Observed: 1 variant allele.
Comment: ALMS1: BP4

Labcorp Genetics (formerly Invitae), Labcorp
Classification: Benign for Alstrom syndrome. Last evaluated: 2026-01-24. Review status: criteria provided, single submitter. Criteria: Invitae Variant Classification Sherloc (09022015). Collection method: clinical testing. Allele origin: germline.

GeneDx
Classification: Uncertain significance. Last evaluated: 2025-12-21. Review status: criteria provided, single submitter. Criteria: GeneDx Variant Classification Process June 2021. Collection method: clinical testing. Allele origin: germline. Affected: yes.
Comment: Identified in cohort of patients with syndromic or non-syndromic inherited retinal dystrophies (PMID: 32483926); In silico analysis suggests that this missense variant does not alter protein structure/function; This variant is associated with the following publications: (PMID: 32483926, 31624253)

Blueprint Genetics
Classification: Uncertain significance. Last evaluated: 2024-07-30. Review status: criteria provided, single submitter. Criteria: ACMG Guidelines, 2015. Collection method: clinical testing. Allele origin: germline.

Women's Health and Genetics/Laboratory Corporation of America, LabCorp
Classification: Uncertain significance. Last evaluated: 2022-12-27. Review status: criteria provided, single submitter. Criteria: LabCorp Variant Classification Summary - May 2015. Collection method: clinical testing. Allele origin: germline.
Comment: Variant summary: ALMS1 c.2533G>A/p.Gly845Arg (also known as c.2539G>A/p.G847R in RefSeq) results in a non-conservative amino acid change in the encoded protein sequence. Four of five in-silico tools predict a benign effect of the variant on protein function. The variant allele was found at a frequency of 7.2e-05 in 248836 control chromosomes. This frequency is not significantly higher than expected for a pathogenic variant in ALMS1 causing Cardiomyopathy (7.2e-05 vs 0.0022), allowing no conclusion about variant significance. c.2533G>A has been reported in the literature in individuals affected with congenital heart disease or inherited retinal and optical nerve disorders. These reports do not provide unequivocal conclusions about association of the variant with Cardiomyopathy. To our knowledge, no experimental evidence demonstrating an impact on protein function has been reported. Three clinical diagnostic laboratories have submitted clinical-significance assessments for this variant to ClinVar after 2014 without evidence for independent evaluation (VUS n=2, likely benign n=1). Based on the evidence outlined above, the variant was classified as uncertain significance.

Ambry Genetics
Classification: Likely benign for Cardiovascular phenotype. Last evaluated: 2019-04-09. Review status: criteria provided, single submitter. Criteria: Ambry Variant Classification Scheme 2023. Collection method: clinical testing. Allele origin: germline.

Literature cited by the submitters: PubMed 31624253 (cited by Women's Health and Genetics/Laboratory Corporation of America, LabCorp); PubMed 32483926 (cited by Women's Health and Genetics/Laboratory Corporation of America, LabCorp).